The following is an entry in ClinVar:

NM_000492.4(CFTR):c.424_427del (p.Ile142fs)

Gene: CFTR (CF transmembrane conductance regulator; plus strand). Cytogenetic location: 7q31.2.
Variant type: Deletion.
Coding change: c.424_427del on transcript NM_000492.4 (MANE Select); coding-DNA positions 424 to 427, 4 bases deleted (ATTT; older notation c.424_427delATTT).
Protein change: p.Ile142fs; shifts the reading frame from isoleucine 142.
Molecular consequence: frameshift variant.
Genome position (GRCh38, 1-based): chr7:117,531,049-117,531,052, ATTT deleted. VCF-style (leftmost placement, unchanged base first): chr7-117531048-CATTT-C. GRCh37 (hg19) VCF-style: chr7-117171102-CATTT-C.
Other names: short protein forms I142fs.
Identifiers: ClinVar variation 4818557 (VCV004818557.1).

ClinVar aggregate classification (germline): Likely pathogenic (1 of 4 stars; one submission).

Conditions:
CFTR-related disorder (CFTR-RD). Also called: CFTR-related disorders; CFTR-related condition. Identifiers: MedGen C5924204, MONDO:7770004.

Submission:

Natera, Inc.
Classification: Likely pathogenic for CFTR-related disorders. Last evaluated: 2024-04-10. Review status: criteria provided, single submitter. Criteria: Natera Variant Classification Schema (03/2026). Collection method: clinical testing. Allele origin: germline.
Comment: The c.424_427delATTT variant in CFTR is a frameshift variant predicted to shift the reading frame beginning at codon 142 and leads to a stop codon 10 codons downstream. This variant is expected to result in nonsense mediated decay, truncation, or a dysfunctional protein product. This variant is rare in the general population with a frequency below the threshold expected for the associated phenotype(s). Given the available evidence, this variant is classified as Likely Pathogenic.